The following is an entry in ClinVar:

NM_000070.3(CAPN3):c.19G>C (p.Ala7Pro)

Gene: CAPN3 (calpain 3; plus strand). Cytogenetic location: 15q15.1.
Variant type: single nucleotide variant.
Coding change: c.19G>C on transcript NM_000070.3 (MANE Select); coding-DNA position 19, G replaced by C.
Protein change: p.Ala7Pro; replaces alanine 7 with proline.
Molecular consequence: missense variant.
Genome position (GRCh38, 1-based): chr15:42,359,824, G>C. VCF-style: chr15-42359824-G-C. GRCh37 (hg19) VCF-style: chr15-42652022-G-C.
Other names: c.19G>C, p.Ala7Pro (NM_024344.2, NM_173087.2); short protein forms A7P.
Identifiers: ClinVar variation 452616 (VCV000452616.8), dbSNP rs776827432, ClinGen allele CA391993861.

ClinVar aggregate classification (germline): Uncertain significance. Review status: criteria provided, multiple submitters, no conflicts (2 of 4 stars). 3 submissions from 3 submitters: Uncertain significance (3). Last evaluated 2024-06-29.

Conditions:
Autosomal recessive limb-girdle muscular dystrophy type 2A (LGMDR1). Also called: LEYDEN-MOEBIUS MUSCULAR DYSTROPHY; MUSCULAR DYSTROPHY, PELVOFEMORAL; Limb-girdle muscular dystrophy, type 2A; Muscular dystrophy, limb-girdle, type 2A, Amish; Calpainopathy. Identifiers: Orphanet 267, MedGen C1869123, MONDO:0009675, OMIM 253600. Disease mechanism: loss of function.

Submissions (3):

Labcorp Genetics (formerly Invitae), Labcorp
Classification: Uncertain significance for Autosomal recessive limb-girdle muscular dystrophy type 2A. Last evaluated: 2024-06-29. Review status: criteria provided, single submitter. Criteria: Invitae Variant Classification Sherloc (09022015). Collection method: clinical testing. Allele origin: germline.
Comment: This sequence change replaces alanine, which is neutral and non-polar, with proline, which is neutral and non-polar, at codon 7 of the CAPN3 protein (p.Ala7Pro). This variant is not present in population databases (gnomAD no frequency). This variant has not been reported in the literature in individuals affected with CAPN3-related conditions. ClinVar contains an entry for this variant (Variation ID: 452616). Algorithms developed to predict the effect of missense changes on protein structure and function output the following: SIFT: "Not Available"; PolyPhen-2: "Benign"; Align-GVGD: "Not Available". The proline amino acid residue is found in multiple mammalian species, which suggests that this missense change does not adversely affect protein function. In summary, the available evidence is currently insufficient to determine the role of this variant in disease. Therefore, it has been classified as a Variant of Uncertain Significance.

Eurofins Ntd Llc (ga)
Classification: Uncertain significance. Last evaluated: 2018-01-31. Review status: criteria provided, single submitter. Criteria: EGL Classification Definitions 2015. Collection method: clinical testing. Allele origin: germline. Observed: 1 variant allele, 1 heterozygote.

GeneDx
Classification: Uncertain significance. Last evaluated: 2017-10-12. Review status: criteria provided, single submitter. Criteria: GeneDx Variant Classification (06012015). Collection method: clinical testing. Allele origin: germline. Affected: yes.
Comment: The A7P variant has not been published as a pathogenic variant, nor has it been reported as a benign variant to our knowledge. The A7P variant is not observed in large population cohorts (Lek et al., 2016). The A7P variant is a semi-conservative amino acid substitution, which may impact secondary protein structure as these residues differ in some properties. Missense variants in nearby residues (T3N, V4I) have been reported in the Human Gene Mutation Database in association with limb girdle muscular dystrophy (Stenson et al., 2014). However, this substitution occurs at a position that is not conserved, and Proline is observed at this position in evolution. In silico analysis predicts this variant likely does not alter the protein structure/function. Therefore, based on the currently available information, it is unclear whether this variant is a pathogenic variant or a rare benign variant.